The following is an entry in ClinVar:

ClinVar aggregate classification (germline): Uncertain significance (1 of 4 stars; one submission).

Conditions:
Hereditary cancer-predisposing syndrome. Also called: Neoplastic Syndromes, Hereditary; Tumor predisposition; Hereditary neoplastic syndrome; Hereditary Cancer Syndrome. Identifiers: Orphanet 140162, MedGen C0027672, MeSH D009386, MONDO:0015356.

gnomAD v4.1: 1 of 1,613,778 alleles (0.000062%); highest among the groups gnomAD compares: Non-Finnish European, 0.000085%; no homozygotes.

Submission:

Ambry Genetics
Classification: Uncertain significance for Hereditary cancer-predisposing syndrome. Last evaluated: 2026-07-11. Review status: criteria provided, single submitter. Criteria: Ambry Variant Classification Scheme 2023. Collection method: clinical testing. Allele origin: germline.
Comment: The p.V378A variant (also known as c.1133T>C), located in coding exon 7 of the MSH3 gene, results from a T to C substitution at nucleotide position 1133. The valine at codon 378 is replaced by alanine, an amino acid with similar properties. This amino acid position is conserved. In addition, this alteration is predicted to be tolerated by in silico analysis. Based on the available evidence, the clinical significance of this variant remains unclear.

NM_002439.5(MSH3):c.1133T>C (p.Val378Ala)

Gene: MSH3 (mutS homolog 3; plus strand). Cytogenetic location: 5q14.1.
Variant type: single nucleotide variant.
Coding change: c.1133T>C on transcript NM_002439.5 (MANE Select); coding-DNA position 1133, T replaced by C.
Protein change: p.Val378Ala; replaces valine 378 with alanine.
Molecular consequence: missense variant.
Genome position (GRCh38, 1-based): chr5:80,675,088, T>C. VCF-style: chr5-80675088-T-C. GRCh37 (hg19) VCF-style: chr5-79970907-T-C.
Other names: short protein forms V378A.
Identifiers: ClinVar variation 5024740 (VCV005024740.1).
Genomic context (GRCh38, chr5:80,675,088, plus strand): 5'-AGATAATGACTGATACTTCTACCAGCTATCTTCTGTGCATCTCTGAAAATAAGGAAAATG[T>C]TAGGGACAAAAAAAAGGGCAACATTTTTATTGGCATTGTGGTAAGTACTTTGCAGGTGAG-3'
Protein context (NP_002430.3, residues 368-388): LLCISENKEN[Val378Ala]RDKKKGNIFI